The following is an entry in ClinVar:

ClinVar aggregate classification (germline): Uncertain significance. Review status: criteria provided, multiple submitters, no conflicts (2 of 4 stars). 2 submissions from 2 submitters: Uncertain significance (2). Last evaluated 2024-07-15.

Conditions:
Congenital myasthenic syndrome 8. Also called: Myasthenic syndrome, congenital, 8, with pre- and postsynaptic defects; MYASTHENIC SYNDROME, CONGENITAL, DUE TO AGRIN DEFICIENCY. Identifiers: Orphanet 590, MedGen C3808739, MONDO:0014052, OMIM 615120.
Inborn genetic diseases. Identifiers: MedGen C0950123, MeSH D030342.

Allele frequency attached by ClinVar (database versions not stated): gnomAD 0.00002 and 0.00006; TOPMed 0.00005; gnomAD exomes 0.00015 and 0.00017; 1000 Genomes Project 30x 0.00016; ExAC 0.00018.
gnomAD v4.1: 219 of 1,611,058 alleles (0.014%); highest among the groups gnomAD compares: South Asian, 0.16%; 1 homozygote.

Submissions (2):

Ambry Genetics
Classification: Uncertain significance for Inborn genetic diseases. Last evaluated: 2024-07-15. Review status: criteria provided, single submitter. Criteria: Ambry Variant Classification Scheme 2023. Collection method: clinical testing. Allele origin: germline.

Labcorp Genetics (formerly Invitae), Labcorp
Classification: Uncertain significance for Congenital myasthenic syndrome 8. Last evaluated: 2022-08-23. Review status: criteria provided, single submitter. Criteria: Invitae Variant Classification Sherloc (09022015). Collection method: clinical testing. Allele origin: germline.
Comment: This sequence change replaces alanine, which is neutral and non-polar, with valine, which is neutral and non-polar, at codon 1601 of the AGRN protein (p.Ala1601Val). This variant is present in population databases (rs749035094, gnomAD 0.1%). This variant has not been reported in the literature in individuals affected with AGRN-related conditions. ClinVar contains an entry for this variant (Variation ID: 965822). Algorithms developed to predict the effect of missense changes on protein structure and function are either unavailable or do not agree on the potential impact of this missense change (SIFT: "Deleterious"; PolyPhen-2: "Probably Damaging"; Align-GVGD: "Class C0"). Algorithms developed to predict the effect of sequence changes on RNA splicing suggest that this variant may create or strengthen a splice site. In summary, the available evidence is currently insufficient to determine the role of this variant in disease. Therefore, it has been classified as a Variant of Uncertain Significance.

NM_198576.4(AGRN):c.4802C>T (p.Ala1601Val)

Gene: AGRN (agrin; plus strand). Cytogenetic location: 1p36.33.
Variant type: single nucleotide variant.
Coding change: c.4802C>T on transcript NM_198576.4 (MANE Select); coding-DNA position 4802, C replaced by T.
Protein change: p.Ala1601Val; replaces alanine 1601 with valine.
Molecular consequence: missense variant.
Genome position (GRCh38, 1-based): chr1:1,049,960, C>T. VCF-style: chr1-1049960-C-T. GRCh37 (hg19) VCF-style: chr1-985340-C-T.
Other names: c.4802C>T, p.Ala1601Val (NM_001305275.2); c.4487C>T, p.Ala1496Val (NM_001364727.2); short protein forms A1601V, A1496V.
Identifiers: ClinVar variation 965822 (VCV000965822.8), dbSNP rs749035094, ClinGen allele CA509647.